The following is an entry in ClinVar:

NM_001042492.3(NF1):c.5268+2dup

Gene: NF1 (neurofibromin 1; plus strand). Cytogenetic location: 17q11.2.
Variant type: Duplication.
Coding change: c.5268+2dup on transcript NM_001042492.3 (MANE Select); the canonical splice donor site of the intron after coding-DNA position 5268, one base duplicated (T; older notation c.5268+2dupT).
Molecular consequence: splice donor variant.
Genome position (GRCh38, 1-based): chr17:31,326,254, T duplicated. VCF-style (leftmost placement, unchanged base first): chr17-31326253-G-GT. GRCh37 (hg19) VCF-style: chr17-29653271-G-GT.
Other names: c.5205+2dupT (NM_000267.3); c.5205+2dup (NM_000267.4).
Identifiers: ClinVar variation 1746056 (VCV001746056.7), dbSNP rs2508698864, ClinGen allele CA2580093066.

ClinVar aggregate classification (germline): Uncertain significance. Review status: criteria provided, multiple submitters, no conflicts (2 of 4 stars). 2 submissions from 2 submitters: Uncertain significance (2). Last evaluated 2024-07-08.

Conditions:
Cardiovascular phenotype. Identifiers: MedGen CN230736.
Hereditary cancer-predisposing syndrome. Also called: Neoplastic Syndromes, Hereditary; Tumor predisposition; Hereditary Cancer Syndrome; Hereditary neoplastic syndrome. Identifiers: Orphanet 140162, MedGen C0027672, MeSH D009386, MONDO:0015356.
Neurofibromatosis, type 1 (NF1). Also called: VON RECKLINGHAUSEN DISEASE; NEUROFIBROMATOSIS, TYPE I, SOMATIC; Neurofibromatosis, type I; Peripheral type neurofibromatosis. Identifiers: Orphanet 636, MedGen C0027831, MONDO:0018975, OMIM 162200. Disease mechanism: loss of function.

Submissions (2):

Labcorp Genetics (formerly Invitae), Labcorp
Classification: Uncertain significance for Neurofibromatosis, type 1. Last evaluated: 2024-07-08. Review status: criteria provided, single submitter. Criteria: Invitae Variant Classification Sherloc (09022015). Collection method: clinical testing. Allele origin: germline.
Comment: This sequence change falls in intron 36 of the NF1 gene. It does not directly change the encoded amino acid sequence of the NF1 protein. It affects a nucleotide within the consensus splice site. This variant is not present in population databases (gnomAD no frequency). This variant has not been reported in the literature in individuals affected with NF1-related conditions. ClinVar contains an entry for this variant (Variation ID: 1746056). Variants that disrupt the consensus splice site are a relatively common cause of aberrant splicing (PMID: 17576681, 9536098). Algorithms developed to predict the effect of sequence changes on RNA splicing suggest that this variant may disrupt the consensus splice site. In summary, the available evidence is currently insufficient to determine the role of this variant in disease. Therefore, it has been classified as a Variant of Uncertain Significance.

Ambry Genetics
Classification: Uncertain significance for Cardiovascular phenotype; Hereditary cancer-predisposing syndrome. Last evaluated: 2020-03-26. Review status: criteria provided, single submitter. Criteria: Ambry Variant Classification Scheme 2023. Collection method: clinical testing. Allele origin: germline.
Comment: The c.5205+2dupT intronic variant results from a duplication of two nucleotides at nucleotide position 5205 after intron 36 of the NF1 gene. This nucleotide position is highly conserved in available vertebrate species. Using the BDGP and ESEfinder splice site prediction tools, this alteration is predicted to abolish the native splice donor site; however, direct evidence is unavailable. Since supporting evidence is limited at this time, the clinical significance of this alteration remains unclear.

Literature cited by the submitters: PubMed 17576681 (cited by Labcorp Genetics (formerly Invitae), Labcorp); PubMed 9536098 (cited by Labcorp Genetics (formerly Invitae), Labcorp).